The following is an entry in ClinVar:

Single allele

Genes: A-GAMMA3'E (A-gamma-globin 3' regulatory region; plus strand), BGLT3 (beta globin locus transcript 3; minus strand), HBB (hemoglobin subunit beta; minus strand), HBD (hemoglobin subunit delta; minus strand), HBG1 (hemoglobin subunit gamma 1; minus strand) and 6 more. Cytogenetic location: 11p15.4.
Variant type: Deletion.
Identifiers: ClinVar variation 3255362 (VCV003255362.2).

ClinVar aggregate classification (germline): Pathogenic (0 of 4 stars; one submission).

Conditions:
Beta-thalassemia HBB/LCRB. Identifiers: MedGen CN322236, MONDO:0013517, OMIM 613985.

Submission:

MOLECULAR BIOLOGY AND HUMAN GENETICS DIVISION, THE UNIVERSITY OF BURDWAN
Classification: Pathogenic for Beta-thalassemia HBB/LCRB. Last evaluated: 2022-07-26. Review status: no assertion criteria provided. Collection method: clinical testing. Allele origin: germline. Inheritance: Autosomal recessive inheritance. Affected: yes. Observed: 2 variant alleles, 2 compound heterozygotes. Clinical features observed: Anemia.
Comment: The variant causes long deletion in HBB; HBD and HBG1 genomic region. When this variant present with another variant in HBB gene that causes severe anemia, patient require frequent transfusion in few cases Hepatosplenomegaly was observed